The following is an entry in ClinVar:

ClinVar aggregate classification (germline): Pathogenic. Review status: criteria provided, multiple submitters, no conflicts (2 of 4 stars). 2 submissions from 2 submitters: Pathogenic (2). Last evaluated 2025-12-24.

Conditions:
Distal myopathy with posterior leg and anterior hand involvement. Also called: WILLIAMS DISTAL MYOPATHY. Identifiers: Orphanet 63273, MedGen C3279722, MONDO:0013550, OMIM 614065.
Hypertrophic cardiomyopathy 26. Also called: Cardiomyopathy, familial hypertrophic, 26. Identifiers: Orphanet 75249, MedGen C4310749, MONDO:0014883, OMIM 617047.
Myofibrillar myopathy 5. Also called: Filaminopathy (type); FILAMINOPATHY, AUTOSOMAL DOMINANT. Identifiers: Orphanet 171445, MedGen C1836050, MONDO:0012289, OMIM 609524.
Cardiovascular phenotype. Identifiers: MedGen CN230736.

Submissions (2):

Labcorp Genetics (formerly Invitae), Labcorp
Classification: Pathogenic for Distal myopathy with posterior leg and anterior hand involvement; Myofibrillar myopathy 5; Hypertrophic cardiomyopathy 26. Last evaluated: 2025-12-24. Review status: criteria provided, single submitter. Criteria: Invitae Variant Classification Sherloc (09022015). Collection method: clinical testing. Allele origin: germline.
Comment: This sequence change creates a premature translational stop signal (p.Tyr1840*) in the FLNC gene. It is expected to result in an absent or disrupted protein product. Loss-of-function variants in FLNC are known to be pathogenic (PMID: 27908349). This variant is not present in population databases (gnomAD no frequency). This premature translational stop signal has been observed in individual(s) with dilated cardiomyopathy (PMID: 32112656). ClinVar contains an entry for this variant (Variation ID: 3759443). Algorithms developed to predict the effect of sequence changes on RNA splicing suggest that this variant may create or strengthen a splice site. For these reasons, this variant has been classified as Pathogenic.

Ambry Genetics
Classification: Pathogenic for Cardiovascular phenotype. Last evaluated: 2025-11-14. Review status: criteria provided, single submitter. Criteria: Ambry Variant Classification Scheme 2023. Collection method: clinical testing. Allele origin: germline.
Comment: The p.Y1840* pathogenic mutation (also known as c.5520T>G), located in coding exon 33 of the FLNC gene, results from a T to G substitution at nucleotide position 5520. This changes the amino acid from a tyrosine to a stop codon within coding exon 33. This variant is considered to be rare based on population cohorts in the Genome Aggregation Database (gnomAD). This alteration is expected to result in loss of function by premature protein truncation or nonsense-mediated mRNA decay. As such, this alteration is interpreted as a disease-causing mutation for FLNC-related dilated cardiomyopathy; however, its clinical significance for FLNC-related hypertrophic/restrictive cardiomyopathy and/or skeletal myopathy is uncertain.

Literature cited by the submitters: PubMed 27908349 (cited by Labcorp Genetics (formerly Invitae), Labcorp); PubMed 32112656 (cited by Labcorp Genetics (formerly Invitae), Labcorp); PubMed 26688388 (cited by Ambry Genetics).

NM_001458.5(FLNC):c.5520T>G (p.Tyr1840Ter)

Genes: FLNC-AS1 (FLNC antisense RNA 1; minus strand), FLNC (filamin C; plus strand). Cytogenetic location: 7q32.1.
Variant type: single nucleotide variant.
Coding change: c.5520T>G on transcript NM_001458.5 (MANE Select); coding-DNA position 5520, T replaced by G.
Protein change: p.Tyr1840Ter; replaces tyrosine 1840 with a stop codon.
Molecular consequence: nonsense.
Genome position (GRCh38, 1-based): chr7:128,850,924, T>G. VCF-style: chr7-128850924-T-G. GRCh37 (hg19) VCF-style: chr7-128490978-T-G.
Other names: c.5421T>G, p.Tyr1807Ter (NM_001127487.2); short protein forms Y1807*, Y1840*.
Identifiers: ClinVar variation 3759443 (VCV003759443.3).
Genomic context (GRCh38, chr7:128,850,924, plus strand): 5'-CACCATCACGGTGAGGTATGCACCCACTGAGAAAGGCCTGCACCAGATGGGGATCAAGTA[T>G]GACGGCAACCACATCCCTGGTGAGTTAGGGGCTGGGCTGGGCTGGGGCTTGGGTGAGAGG-3'